The following is an entry in ClinVar:

ClinVar aggregate classification (germline): Benign. Review status: criteria provided, multiple submitters, no conflicts (2 of 4 stars). 7 submissions from 7 submitters: Benign (7). Last evaluated 2026-02-03.

Conditions:
Hearing loss, X-linked 6. Also called: Deafness, X-linked 6. Identifiers: Orphanet 90625, MedGen C3806737, MONDO:0010484, OMIM 300914.

Allele frequency attached by ClinVar (database versions not stated): ESP Exome Variant Server 0.23260; gnomAD exomes 0.24892 and 0.31907; gnomAD 0.26004 and 0.26804; TOPMed 0.29947; ExAC 0.30992; 1000 Genomes Project 30x 0.40146; 1000 Genomes Project 0.40609.
gnomAD v4.1: 303,378 of 1,208,104 alleles (25%); highest among the groups gnomAD compares: East Asian, 66%; 30,479 homozygotes.

Submissions (7):

Labcorp Genetics (formerly Invitae), Labcorp
Classification: Benign. Last evaluated: 2026-02-03. Review status: criteria provided, single submitter. Criteria: Invitae Variant Classification Sherloc (09022015). Collection method: clinical testing. Allele origin: germline.

Blueprint Genetics
Classification: Benign. Last evaluated: 2024-11-28. Review status: criteria provided, single submitter. Criteria: ACMG Guidelines, 2015. Collection method: clinical testing. Allele origin: germline.

Genome-Nilou Lab
Classification: Benign for Hearing loss, X-linked 6. Last evaluated: 2022-03-15. Review status: criteria provided, single submitter. Criteria: ACMG Guidelines, 2015. Collection method: clinical testing. Allele origin: germline. Affected: no.

Mayo Clinic Laboratories, Mayo Clinic
Classification: Benign. Last evaluated: 2022-03-09. Review status: criteria provided, single submitter. Criteria: ACMG Guidelines, 2015. Collection method: clinical testing. Allele origin: germline. Observed: 126 variant alleles.

GeneDx
Classification: Benign. Last evaluated: 2017-05-09. Review status: criteria provided, single submitter. Criteria: GeneDx Variant Classification (06012015). Collection method: clinical testing. Allele origin: germline. Affected: yes.
Comment: This variant is considered likely benign or benign based on one or more of the following criteria: it is a conservative change, it occurs at a poorly conserved position in the protein, it is predicted to be benign by multiple in silico algorithms, and/or has population frequency not consistent with disease.

Breakthrough Genomics
Classification: Benign. Review status: criteria provided, single submitter. Criteria: ACMG Guidelines, 2015. Collection method: not provided. Allele origin: germline. Inheritance: X-linked inheritance. Affected: yes.

PreventionGenetics, part of Exact Sciences
Classification: Benign. Review status: criteria provided, single submitter. Criteria: ACMG Guidelines, 2015. Collection method: clinical testing. Allele origin: germline.

NM_033641.4(COL4A6):c.3078C>T (p.Gly1026=)

Gene: COL4A6 (collagen type IV alpha 6 chain; minus strand). Cytogenetic location: Xq22.3.
Variant type: single nucleotide variant.
Coding change: c.3078C>T on transcript NM_033641.4 (MANE Select); coding-DNA position 3078, C replaced by T.
Protein change: p.Gly1026=; no amino-acid change (glycine 1026 retained).
Molecular consequence: synonymous variant.
Genome position (GRCh38, 1-based): chrX:108,174,500, G>A on the plus strand (C>T on the coding strand, the complement: COL4A6 is on the minus strand). VCF-style: chrX-108174500-G-A. GRCh37 (hg19) VCF-style: chrX-107417730-G-A.
Other names: p.Gly1027=; c.3129C>T, p.Gly1043= (NM_001287758.2); c.3078C>T, p.Gly1026= (NM_001287759.2, NM_001287760.2); c.3081C>T, p.Gly1027= (NM_001847.4).
Identifiers: ClinVar variation 258271 (VCV000258271.13), dbSNP rs5973851, ClinGen allele CA10487504.